The following is an entry in ClinVar:

ClinVar aggregate classification (germline): Uncertain significance. Review status: criteria provided, multiple submitters, no conflicts (2 of 4 stars). 8 submissions from 8 submitters: Uncertain significance (8). Last evaluated 2025-10-14.

Conditions:
Hereditary cancer-predisposing syndrome. Also called: Tumor predisposition; Neoplastic Syndromes, Hereditary; Hereditary neoplastic syndrome; Hereditary Cancer Syndrome. Identifiers: Orphanet 140162, MedGen C0027672, MeSH D009386, MONDO:0015356.
Nijmegen breakage syndrome-like disorder (NBSLD). Also called: MICROCEPHALY AND SPONTANEOUS CHROMOSOME INSTABILITY WITHOUT IMMUNODEFICIENCY; NBS-LIKE DISORDER; RAD50 DEFICIENCY. Identifiers: Orphanet 240760, MedGen C2751318, MONDO:0013118, OMIM 613078.

Allele frequency attached by ClinVar (database versions not stated): gnomAD 0.00006 and 0.00007; TOPMed 0.00007; gnomAD exomes 0.00008 and 0.00005; ExAC 0.00009.
gnomAD v4.1: 78 of 1,608,408 alleles (0.0048%); highest among the groups gnomAD compares: South Asian, 0.0099%; no homozygotes.

Submissions (8):

Quest Diagnostics Nichols Institute San Juan Capistrano
Classification: Uncertain significance. Last evaluated: 2025-10-14. Review status: criteria provided, single submitter. Criteria: Quest Diagnostics criteria. Collection method: clinical testing. Allele origin: unknown.
Comment: The RAD50 c.1663A>G (p.Ile555Val) variant has been reported in the published literature in individuals with breast cancer (PMID: 36980780 (2023), 33606809 (2021), 32658311 (2021), 29785153 (2018)) and pancreatic cancer (PMID: 26483394 (2015)). In a large-scale breast cancer association study, the variant was observed in breast cancer cases as well as in reportedly healthy individuals (PMID: 33471991 (2021), see also LOVD. The frequency of this variant in the general population (Genome Aggregation Database) is uninformative in the assessment of its pathogenicity. Analysis of this variant using bioinformatics tools for the prediction of the effect of amino acid changes on protein structure and function yielded predictions that this variant is benign. Based on the available information, we are unable to determine the clinical significance of this variant.

Labcorp Genetics (formerly Invitae), Labcorp
Classification: Uncertain significance for Hereditary cancer-predisposing syndrome. Last evaluated: 2025-08-07. Review status: criteria provided, single submitter. Criteria: Invitae Variant Classification Sherloc (09022015). Collection method: clinical testing. Allele origin: germline.
Comment: This sequence change replaces isoleucine, which is neutral and non-polar, with valine, which is neutral and non-polar, at codon 555 of the RAD50 protein (p.Ile555Val). This variant is present in population databases (rs201120953, gnomAD 0.01%). This missense change has been observed in individual(s) with breast cancer and/or pancreatic cancer (PMID: 26483394, 29785153, 32658311, 33606809, 35534704). ClinVar contains an entry for this variant (Variation ID: 37379). Invitae Evidence Modeling of protein sequence and biophysical properties (such as structural, functional, and spatial information, amino acid conservation, physicochemical variation, residue mobility, and thermodynamic stability) indicates that this missense variant is not expected to disrupt RAD50 protein function with a negative predictive value of 80%. RNA analysis performed to evaluate the impact of this missense change on mRNA splicing indicates it does not significantly alter splicing (internal data). In summary, the available evidence is currently insufficient to determine the role of this variant in disease. Therefore, it has been classified as a Variant of Uncertain Significance.

Women's Health and Genetics/Laboratory Corporation of America, LabCorp
Classification: Uncertain significance. Last evaluated: 2025-04-04. Review status: criteria provided, single submitter. Criteria: LabCorp Variant Classification Summary - May 2015. Collection method: clinical testing. Allele origin: germline.
Comment: Variant summary: RAD50 c.1663A>G (p.Ile555Val) results in a conservative amino acid change in the encoded protein sequence. Four of five in-silico tools predict a benign effect of the variant on protein function. The variant allele was found at a frequency of 8e-05 in 250738 control chromosomes. This frequency is not significantly higher than estimated for a pathogenic variant in RAD50 causing Nijmegen Breakage Syndrome-Like Disorder (8e-05 vs 0.0024), allowing no conclusion about variant significance. c.1663A>G has been reported in the literature in settings of multigene panel testing performed on at-least one individual from a pancreatic cancer registry who was unselected for a family history of cancer (example, Hu_2016) and in settings of multigene panel testing on individuals with breast/ovarian cancer (example, Gpoidescu_2018, Tsaousis_2019, Sandoval_2021, Akcay_2020, deOliveira_2022). These report(s) do not provide unequivocal conclusions about association of the variant with Nijmegen Breakage Syndrome-Like Disorder. To our knowledge, no experimental evidence demonstrating an impact on protein function has been reported. The following publications have been ascertained in the context of this evaluation (PMID: 32658311, 29785153, 26483394, 33606809, 31159747, 35534704, 34026625, 34371384, 31512090, 26689913, 30541756, 23555315, 34485163, 36980780, 35089076). ClinVar contains an entry for this variant (Variation ID: 37379). Based on the evidence outlined above, the variant was classified as uncertain significance.

Baylor Genetics
Classification: Uncertain significance for Nijmegen breakage syndrome-like disorder. Last evaluated: 2024-02-22. Review status: criteria provided, single submitter. Criteria: ACMG Guidelines, 2015. Collection method: clinical testing. Allele origin: unknown.

Ambry Genetics
Classification: Uncertain significance for Hereditary cancer-predisposing syndrome. Last evaluated: 2023-06-08. Review status: criteria provided, single submitter. Criteria: Ambry Variant Classification Scheme 2023. Collection method: clinical testing. Allele origin: germline.
Comment: The p.I555V variant (also known as c.1663A>G), located in coding exon 11 of the RAD50 gene, results from an A to G substitution at nucleotide position 1663. The isoleucine at codon 555 is replaced by valine, an amino acid with highly similar properties. This variant was reported in 2/96 patients with pancreatic ductal adenocarcinoma, unselected for family history, who underwent a 22 gene panel test (Hu C et al. Cancer Epidemiol. Biomarkers Prev. 2016 Jan;25:207-11). This variant has also been reported in multiple breast cancer cohorts (Goidescu IG et al. Clujul Med, 2018 Apr;91:157-165; Tsaousis GN et al. BMC Cancer, 2019 Jun;19:535; Akcay IM et al. Int J Cancer, 2021 Jan;148:285-295; Sandoval RL et al. PLoS One, 2021 Feb;16:e0247363). However, in one study, this variant was reported in 8/60,466 breast cancer cases as well as 17/53,461 controls (Dorling et al. N Engl J Med 2021 02;384:428-439). This amino acid position is well conserved in available vertebrate species. In addition, this alteration is predicted to be tolerated by in silico analysis. Since supporting evidence is limited at this time, the clinical significance of this alteration remains unclear.

Sema4
Classification: Uncertain significance for Nijmegen breakage syndrome-like disorder. Last evaluated: 2021-09-15. Review status: criteria provided, single submitter. Criteria: Sema4 Curation Guidelines. Collection method: curation. Allele origin: germline.
Comment: The RAD50 c.1663A>G p.I555V variant has been reported in heterozygosity in numerous individuals with breast cancer (PMID: 29785153, 32658311, 33606809). However, in a meta-analysis of breast cancer risk, it was seen significantly more frequently in controls than in breast cancer cases (PMID: 33471991). It has also been seen in patients with pancreatic cancer (PMID: 26483394). It was observed in 15/128824 chromosomes of the Non-Finnish European subpopulation, with no homozygotes, in the large and broad cohorts of the Genome Aggregation Database (PMID: 32461654). The variant has been reported in ClinVar (Variation ID 37379). In silico tools suggest the impact of the variant on protein function is benign, though these predictions have not been confirmed by functional studies. The evidence is insufficient to meet ACMG/AMP criteria for classifying the variant as benign or pathogenic. Thus, the clinical significance of this variant is currently uncertain.

Genetic Services Laboratory, University of Chicago
Classification: Uncertain significance. Last evaluated: 2021-06-22. Review status: criteria provided, single submitter. Criteria: ACMG Guidelines, 2015. Collection method: clinical testing. Allele origin: germline. Affected: no.
Comment: DNA sequence analysis of the RAD50 gene demonstrated a sequence change, c.1663A>G, in exon 11 that results in an amino acid change, p.Ile555Val. This sequence change has been described in the gnomAD database with a frequency of 0.012% in the non-Finnish European subpopulation (dbSNP rs201120953). The p.Ile555Val change affects a moderately conserved amino acid residue located in a domain of the RAD50 protein that is known to be functional. The p.Ile555Val substitution appears to be benign using several in-silico pathogenicity prediction tools (SIFT, PolyPhen2, Align GVGD, REVEL). This sequence change has been reported in individuals with pancreatic cancer who underwent germline genetic testing (PMID: 26483394). Due to insufficient evidences and the lack of functional studies, the clinical significance of the p.Ile555Val change remains unknown at this time.

GeneKor MSA
Classification: Uncertain significance for Hereditary cancer-predisposing syndrome. Last evaluated: 2018-08-01. Review status: criteria provided, single submitter. Criteria: ACMG Guidelines, 2015. Collection method: clinical testing. Allele origin: germline. Affected: yes.

Literature cited by the submitters: PubMed 33606809 (cited by 5 submitters); PubMed 32658311 (cited by 5 submitters); PubMed 31159747 (cited by 3 submitters); PubMed 29785153 (cited by 5 submitters); PubMed 26483394 (cited by 5 submitters); PubMed 33471991 (cited by 3 submitters); PubMed 36980780 (cited by Quest Diagnostics Nichols Institute San Juan Capistrano and Women's Health and Genetics/Laboratory Corporation of America, LabCorp); PubMed 35534704 (cited by Labcorp Genetics (formerly Invitae), Labcorp and Women's Health and Genetics/Laboratory Corporation of America, LabCorp); PubMed 23555315 (cited by Women's Health and Genetics/Laboratory Corporation of America, LabCorp); PubMed 26689913 (cited by Women's Health and Genetics/Laboratory Corporation of America, LabCorp); PubMed 31512090 (cited by Women's Health and Genetics/Laboratory Corporation of America, LabCorp); PubMed 30541756 (cited by Women's Health and Genetics/Laboratory Corporation of America, LabCorp); PubMed 34371384 (cited by Women's Health and Genetics/Laboratory Corporation of America, LabCorp); PubMed 34026625 (cited by Women's Health and Genetics/Laboratory Corporation of America, LabCorp); PubMed 35089076 (cited by Women's Health and Genetics/Laboratory Corporation of America, LabCorp); PubMed 34485163 (cited by Women's Health and Genetics/Laboratory Corporation of America, LabCorp).

NM_005732.4(RAD50):c.1663A>G (p.Ile555Val)

Gene: RAD50 (RAD50 double strand break repair protein; plus strand). Cytogenetic location: 5q31.1.
Variant type: single nucleotide variant.
Coding change: c.1663A>G on transcript NM_005732.4 (MANE Select); coding-DNA position 1663, A replaced by G.
Protein change: p.Ile555Val; replaces isoleucine 555 with valine.
Molecular consequence: missense variant.
Genome position (GRCh38, 1-based): chr5:132,591,904, A>G. VCF-style: chr5-132591904-A-G. GRCh37 (hg19) VCF-style: chr5-131927596-A-G.
Other names: short protein forms I555V.
Identifiers: ClinVar variation 37379 (VCV000037379.29), dbSNP rs201120953, ClinGen allele CA325783.